The following is an entry in ClinVar:

ClinVar aggregate classification (germline): Benign/Likely benign. Review status: criteria provided, multiple submitters, no conflicts (2 of 4 stars). 8 submissions from 8 submitters: Benign (3); Likely benign (4). 1 of the submissions does not count toward it. Last evaluated 2026-03-09.

Conditions:
MYH14-related disorder. Also called: MYH14-related condition.

Allele frequency attached by ClinVar (database versions not stated): gnomAD exomes 0.00033; ExAC 0.00063; gnomAD 0.00115 and 0.00120; TOPMed 0.00130; ESP Exome Variant Server 0.00149; 1000 Genomes Project 0.00200; 1000 Genomes Project 30x 0.00203.
gnomAD v4.1: 440 of 1,576,590 alleles (0.028%); highest among the groups gnomAD compares: African/African-American, 0.38%; 2 homozygotes.

Submissions (8):

Women's Health and Genetics/Laboratory Corporation of America, LabCorp
Classification: Benign. Last evaluated: 2026-03-09. Review status: criteria provided, single submitter. Criteria: LabCorp Variant Classification Summary - May 2015. Collection method: clinical testing. Allele origin: germline.

Labcorp Genetics (formerly Invitae), Labcorp
Classification: Benign. Last evaluated: 2026-01-24. Review status: criteria provided, single submitter. Criteria: Invitae Variant Classification Sherloc (09022015). Collection method: clinical testing. Allele origin: germline.

Blueprint Genetics
Classification: Likely benign. Last evaluated: 2024-07-04. Review status: criteria provided, single submitter. Criteria: ACMG Guidelines, 2015. Collection method: clinical testing. Allele origin: germline.

GeneDx
Classification: Likely benign. Last evaluated: 2020-10-07. Review status: criteria provided, single submitter. Criteria: GeneDx Variant Classification Process June 2021. Collection method: clinical testing. Allele origin: germline. Affected: yes.

Athena Diagnostics
Classification: Benign. Last evaluated: 2019-08-05. Review status: criteria provided, single submitter. Criteria: Athena Diagnostics Criteria. Collection method: clinical testing. Allele origin: germline.

Eurofins Ntd Llc (ga)
Classification: Likely benign. Last evaluated: 2017-04-04. Review status: criteria provided, single submitter. Criteria: EGL Classification Definitions 2015. Collection method: clinical testing. Allele origin: germline. Observed: 1 variant allele, 1 heterozygote.

Laboratory for Molecular Medicine, Mass General Brigham Personalized Medicine
Classification: Likely benign. Last evaluated: 2012-04-30. Review status: criteria provided, single submitter. Criteria: LMM Criteria. Collection method: clinical testing. Allele origin: germline. Observed: 1 variant allele.
Comment: p.Asp648Asp in exon 16 of MYH14: This variant is not expected to have clinical s ignificance because it does not alter an amino acid residue, and has been identi fied in 0.4% (14/3596) of African American chromosomes from a broad population b y the NHLBI Exome Sequencing Project.

PreventionGenetics, part of Exact Sciences
Classification: Likely benign for MYH14-related condition. Last evaluated: 2019-03-20. Review status: no assertion criteria provided. Collection method: clinical testing. Allele origin: germline. Not counted in ClinVar's aggregate classification.
Comment: This variant is classified as likely benign based on ACMG/AMP sequence variant interpretation guidelines (Richards et al. 2015 PMID: 25741868, with internal and published modifications).

NM_001145809.2(MYH14):c.1944C>T (p.Asp648=)

Gene: MYH14 (myosin heavy chain 14; plus strand). Cytogenetic location: 19q13.33.
Variant type: single nucleotide variant.
Coding change: c.1944C>T on transcript NM_001145809.2 (MANE Select); coding-DNA position 1944, C replaced by T.
Protein change: p.Asp648=; no amino-acid change (aspartic acid 648 retained).
Molecular consequence: synonymous variant.
Genome position (GRCh38, 1-based): chr19:50,252,752, C>T. VCF-style: chr19-50252752-C-T. GRCh37 (hg19) VCF-style: chr19-50756009-C-T.
Other names: c.1944C>T, p.Asp648= (NM_001077186.2); c.1920C>T, p.Asp640= (NM_024729.4).
Identifiers: ClinVar variation 227574 (VCV000227574.24), dbSNP rs189243324, ClinGen allele CA9592753.